The following is an entry in ClinVar:

NM_022124.6(CDH23):c.3352G>A (p.Gly1118Ser)

Genes: C10orf105 (chromosome 10 open reading frame 105; minus strand), CDH23 (cadherin related 23; plus strand). Cytogenetic location: 10q22.1.
Variant type: single nucleotide variant.
Coding change: c.3352G>A on transcript NM_022124.6 (MANE Select); coding-DNA position 3352, G replaced by A.
Protein change: p.Gly1118Ser; replaces glycine 1118 with serine.
Molecular consequence: missense variant. On other transcripts: 3 prime UTR variant (2).
Genome position (GRCh38, 1-based): chr10:71,712,796, G>A. VCF-style: chr10-71712796-G-A. GRCh37 (hg19) VCF-style: chr10-73472553-G-A.
Other names: c.*3140C>T (NM_001164375.3, NM_001168390.2); c.3352G>A, p.Gly1118Ser (NM_001171930.2); short protein forms G1118S.
Identifiers: ClinVar variation 739859 (VCV000739859.16), dbSNP rs562052236, ClinGen allele CA5544556.

ClinVar aggregate classification (germline): Likely benign. Review status: criteria provided, multiple submitters, no conflicts (2 of 4 stars). 6 submissions from 6 submitters: Likely benign (4). 2 of the submissions do not count toward it. Last evaluated 2026-01-31.

Conditions:
CDH23-related disorder. Also called: CDH23-related condition; CDH23-related disorders.
Usher syndrome type 1 (USH1). Also called: RETINITIS PIGMENTOSA AND CONGENITAL DEAFNESS. Identifiers: Orphanet 231169, Orphanet 886, MedGen C1568247, MONDO:0010168, OMIM 276900.

Allele frequency attached by ClinVar (database versions not stated): gnomAD 0.00009 and 0.00017; gnomAD exomes 0.00015 and 0.00045; TOPMed 0.00019; ExAC 0.00044; 1000 Genomes Project 30x 0.00172; 1000 Genomes Project 0.00180.
gnomAD v4.1: 236 of 1,612,548 alleles (0.015%); highest among the groups gnomAD compares: East Asian, 0.51%; 1 homozygote.

Submissions (6):

Labcorp Genetics (formerly Invitae), Labcorp
Classification: Likely benign. Last evaluated: 2026-01-31. Review status: criteria provided, single submitter. Criteria: Invitae Variant Classification Sherloc (09022015). Collection method: clinical testing. Allele origin: germline.

Blueprint Genetics
Classification: Likely benign. Last evaluated: 2024-10-23. Review status: criteria provided, single submitter. Criteria: ACMG Guidelines, 2015. Collection method: clinical testing. Allele origin: germline.

Laboratory for Molecular Medicine, Mass General Brigham Personalized Medicine
Classification: Likely benign. Last evaluated: 2023-03-16. Review status: criteria provided, single submitter. Criteria: ACMG Guidelines, 2015. Collection method: clinical testing. Allele origin: germline.
Comment: The p.Gly1118Ser variant in CDH23 is classified as likely benign because it has been identified in 0.481% (25/5194) of East Asian chromosomes by gnomAD. ACMG/AMP Criteria applied: BS1.

GeneDx
Classification: Likely benign. Last evaluated: 2020-02-28. Review status: criteria provided, single submitter. Criteria: GeneDx Variant Classification Process June 2021. Collection method: clinical testing. Allele origin: germline. Affected: yes.
Comment: This variant is associated with the following publications: (PMID: 28265457, 24767429)

PreventionGenetics, part of Exact Sciences
Classification: Likely benign for CDH23-related condition. Last evaluated: 2024-08-30. Review status: no assertion criteria provided. Collection method: clinical testing. Allele origin: germline. Not counted in ClinVar's aggregate classification.
Comment: This variant is classified as likely benign based on ACMG/AMP sequence variant interpretation guidelines (Richards et al. 2015 PMID: 25741868, with internal and published modifications).

Natera, Inc.
Classification: Likely benign for Usher syndrome type 1. Last evaluated: 2020-04-13. Review status: no assertion criteria provided. Collection method: clinical testing. Allele origin: germline. Not counted in ClinVar's aggregate classification.